The following is an entry in ClinVar:

ClinVar aggregate classification (germline): Benign. Review status: criteria provided, multiple submitters, no conflicts (2 of 4 stars). 3 submissions from 3 submitters: Benign (3). Last evaluated 2026-02-03.

Conditions:
Knobloch syndrome (KNO). Also called: RETINAL DETACHMENT AND OCCIPITAL ENCEPHALOCELE; Myopia retinal detachment encephalocele. Identifiers: Orphanet 1571, MedGen C1849409, MONDO:0800166.

Allele frequency attached by ClinVar (database versions not stated): gnomAD exomes 0.00136 and 0.00325; ExAC 0.00371; ESP Exome Variant Server 0.01181; gnomAD 0.01248 and 0.01339; 1000 Genomes Project 0.01358; TOPMed 0.01422; 1000 Genomes Project 30x 0.01452.
gnomAD v4.1: 4,066 of 1,610,660 alleles (0.25%); highest among the groups gnomAD compares: African/African-American, 4.2%; 76 homozygotes.

Submissions (13):

Labcorp Genetics (formerly Invitae), Labcorp
Classification: Benign. Last evaluated: 2026-02-03. Review status: criteria provided, single submitter. Criteria: Invitae Variant Classification Sherloc (09022015). Collection method: clinical testing. Allele origin: germline.

Illumina Laboratory Services, Illumina
Classification: Benign for Knobloch syndrome 1. Last evaluated: 2018-01-13. Review status: criteria provided, single submitter. Criteria: ICSL Variant Classification Criteria 13 December 2019. Collection method: clinical testing. Allele origin: germline.
Comment: This variant was observed in the ICSL laboratory as part of a predisposition screen in an ostensibly healthy population. It had not been previously curated by ICSL or reported in the Human Gene Mutation Database (HGMD: prior to June 1st, 2018), and was therefore a candidate for classification through an automated scoring system. Utilizing variant allele frequency, disease prevalence and penetrance estimates, and inheritance mode, an automated score was calculated to assess if this variant is too frequent to cause the disease. Based on the score and internal cut-off values, a variant classified as benign is not then subjected to further curation. The score for this variant resulted in a classification of benign for this disease.

Breakthrough Genomics
Classification: Benign. Review status: criteria provided, single submitter. Criteria: ACMG Guidelines, 2015. Collection method: not provided. Allele origin: germline. Inheritance: Autosomal recessive inheritance. Affected: yes.

Dr. Peter K. Rogan Lab, Western University
No classification provided (evidence only). Condition: Clear cell carcinoma of kidney. Review status: no classification provided. Collection method: in vitro. Allele origin: not applicable. Functional consequence: skipped exon, retained intron. Not counted in ClinVar's aggregate classification.

Dr. Peter K. Rogan Lab, Western University
No classification provided (evidence only). Condition: Clear cell carcinoma of kidney. Review status: no classification provided. Collection method: in vitro. Allele origin: not applicable. Functional consequence: skipped exon. Not counted in ClinVar's aggregate classification.

Dr. Peter K. Rogan Lab, Western University
No classification provided (evidence only). Condition: Clear cell carcinoma of kidney. Review status: no classification provided. Collection method: in vitro. Allele origin: not applicable. Functional consequence: retained intron. Not counted in ClinVar's aggregate classification.

Dr. Peter K. Rogan Lab, Western University
No classification provided (evidence only). Condition: Thyroid cancer, nonmedullary, 1. Review status: no classification provided. Collection method: in vitro. Allele origin: not applicable. Functional consequence: skipped exon, retained intron. Not counted in ClinVar's aggregate classification.

Dr. Peter K. Rogan Lab, Western University
No classification provided (evidence only). Condition: Uterine corpus endometrial carcinoma. Review status: no classification provided. Collection method: in vitro. Allele origin: not applicable. Functional consequence: skipped exon. Not counted in ClinVar's aggregate classification.

Dr. Peter K. Rogan Lab, Western University
No classification provided (evidence only). Condition: Uterine corpus endometrial carcinoma. Review status: no classification provided. Collection method: in vitro. Allele origin: not applicable. Functional consequence: skipped exon. Not counted in ClinVar's aggregate classification.

Dr. Peter K. Rogan Lab, Western University
No classification provided (evidence only). Condition: Sarcoma. Review status: no classification provided. Collection method: in vitro. Allele origin: not applicable. Functional consequence: skipped exon. Not counted in ClinVar's aggregate classification.

Dr. Peter K. Rogan Lab, Western University
No classification provided (evidence only). Condition: Nonpapillary renal cell carcinoma. Review status: no classification provided. Collection method: in vitro. Allele origin: not applicable. Functional consequence: skipped exon. Not counted in ClinVar's aggregate classification.

Dr. Peter K. Rogan Lab, Western University
No classification provided (evidence only). Condition: Uterine carcinosarcoma. Review status: no classification provided. Collection method: in vitro. Allele origin: not applicable. Functional consequence: retained intron. Not counted in ClinVar's aggregate classification.

Dr. Peter K. Rogan Lab, Western University
No classification provided (evidence only). Condition: Uveal melanoma. Review status: no classification provided. Collection method: in vitro. Allele origin: not applicable. Functional consequence: skipped exon. Not counted in ClinVar's aggregate classification.

NM_001379500.1(COL18A1):c.1509C>T (p.Gly503=)

Gene: COL18A1 (collagen type XVIII alpha 1 chain; plus strand). Cytogenetic location: 21q22.3.
Variant type: single nucleotide variant.
Coding change: c.1509C>T on transcript NM_001379500.1 (MANE Select); coding-DNA position 1509, C replaced by T.
Protein change: p.Gly503=; no amino-acid change (glycine 503 retained).
Molecular consequence: synonymous variant.
Genome position (GRCh38, 1-based): chr21:45,480,756, C>T. VCF-style: chr21-45480756-C-T. GRCh37 (hg19) VCF-style: chr21-46900670-C-T.
Other names: NM_130445.2:c.1509C>T; NM_130445.3:c.1509C>T; c.2049C>T, p.Gly683= (NM_030582.4); c.2754C>T, p.Gly918= (NM_130444.3).
Identifiers: ClinVar variation 340224 (VCV000340224.17), dbSNP rs112723616, ClinGen allele CA10066372.
Genomic context (GRCh38, chr21:45,480,756, plus strand): 5'-CCAGGGTCCTCGAGGCTTCCCTGGACCTCCCGGACCCCCCGGTGTCCCAGGCCTGCCCGG[C>T]GAGCCAGGCCGCTTTGGGGTGAACAGCTCCGACGTCCCAGGACCCGCCGGCCTTCCTGGT-3'
Protein context (NP_001366429.1, residues 493-513): PGPPGVPGLP[Gly503=]EPGRFGVNSS